The following is an entry in ClinVar:

ClinVar aggregate classification (germline): Uncertain significance. Review status: criteria provided, multiple submitters, no conflicts (2 of 4 stars). 3 submissions from 3 submitters: Uncertain significance (3). Last evaluated 2025-06-25.

Conditions:
Hereditary cancer-predisposing syndrome. Also called: Neoplastic Syndromes, Hereditary; Hereditary Cancer Syndrome; Hereditary neoplastic syndrome; Tumor predisposition. Identifiers: Orphanet 140162, MedGen C0027672, MeSH D009386, MONDO:0015356.
Gastrointestinal stromal tumor. Also called: Gastrointestinal stroma tumor; Gastrointestinal stromal tumor, somatic. Identifiers: Orphanet 44890, MedGen C0238198, MeSH D046152, MONDO:0011719, OMIM 606764, HP:0100723.

Allele frequency attached by ClinVar (database versions not stated): gnomAD exomes below 0.00001 and 0.00001; gnomAD 0.00002; TOPMed 0.00002.
gnomAD v4.1: 25 of 1,614,102 alleles (0.0015%); highest among the groups gnomAD compares: Non-Finnish European, 0.002%; no homozygotes.

Submissions (3):

Labcorp Genetics (formerly Invitae), Labcorp
Classification: Uncertain significance for Gastrointestinal stromal tumor. Last evaluated: 2025-06-25. Review status: criteria provided, single submitter. Criteria: Invitae Variant Classification Sherloc (09022015). Collection method: clinical testing. Allele origin: germline.
Comment: This sequence change replaces threonine, which is neutral and polar, with methionine, which is neutral and non-polar, at codon 96 of the KIT protein (p.Thr96Met). This variant is present in population databases (no rsID available, gnomAD 0.002%). This variant has not been reported in the literature in individuals affected with KIT-related conditions. ClinVar contains an entry for this variant (Variation ID: 409773). An algorithm developed to predict the effect of missense changes on protein structure and function (PolyPhen-2) suggests that this variant is likely to be disruptive. In summary, the available evidence is currently insufficient to determine the role of this variant in disease. Therefore, it has been classified as a Variant of Uncertain Significance.

Ambry Genetics
Classification: Uncertain significance for Hereditary cancer-predisposing syndrome. Last evaluated: 2024-01-14. Review status: criteria provided, single submitter. Criteria: Ambry Variant Classification Scheme 2023. Collection method: clinical testing. Allele origin: germline.
Comment: The p.T96M variant (also known as c.287C>T), located in coding exon 2 of the KIT gene, results from a C to T substitution at nucleotide position 287. The threonine at codon 96 is replaced by methionine, an amino acid with similar properties. This amino acid position is highly conserved in available vertebrate species. In addition, this alteration is predicted to be tolerated by in silico analysis. Since supporting evidence is limited at this time, the clinical significance of this alteration remains unclear.

Baylor Genetics
Classification: Uncertain significance for Gastrointestinal stromal tumor. Last evaluated: 2023-10-03. Review status: criteria provided, single submitter. Criteria: ACMG Guidelines, 2015. Collection method: clinical testing. Allele origin: unknown.

NM_000222.3(KIT):c.287C>T (p.Thr96Met)

Gene: KIT (KIT proto-oncogene, receptor tyrosine kinase; plus strand). Cytogenetic location: 4q12.
Variant type: single nucleotide variant.
Coding change: c.287C>T on transcript NM_000222.3 (MANE Select); coding-DNA position 287, C replaced by T.
Protein change: p.Thr96Met; replaces threonine 96 with methionine.
Molecular consequence: missense variant.
Genome position (GRCh38, 1-based): chr4:54,695,731, C>T. VCF-style: chr4-54695731-C-T. GRCh37 (hg19) VCF-style: chr4-55561897-C-T.
Other names: c.287C>T, p.Thr96Met (NM_001093772.2, NM_001385284.1, NM_001385285.1 and 4 more transcripts); short protein forms T96M.
Identifiers: ClinVar variation 409773 (VCV000409773.15), dbSNP rs1060502564, ClinGen allele CA16611580.